The following is an entry in ClinVar:

NM_003482.4(KMT2D):c.11386del (p.Gln3796fs)

Gene: KMT2D (lysine methyltransferase 2D; minus strand). Cytogenetic location: 12q13.12.
Variant type: Deletion.
Coding change: c.11386del on transcript NM_003482.4 (MANE Select); coding-DNA position 11386, one base deleted (C; older notation c.11386delC).
Protein change: p.Gln3796fs; shifts the reading frame from glutamine 3796.
Molecular consequence: frameshift variant.
Genome position (GRCh38, 1-based): chr12:49,033,319, G deleted on the plus strand (C on the coding strand, the reverse complement: KMT2D is on the minus strand); the first of 4 consecutive G bases (chr12:49,033,319-49,033,322); deleting any one gives the same sequence. VCF-style (leftmost placement, unchanged base first): chr12-49033318-TG-T. GRCh37 (hg19) VCF-style: chr12-49427101-TG-T.
Other names: short protein forms Q3796fs.
Identifiers: ClinVar variation 158717 (VCV000158717.14), dbSNP rs587783683, ClinGen allele CA271572.

ClinVar aggregate classification (germline): Pathogenic. Review status: criteria provided, multiple submitters, no conflicts (2 of 4 stars). 2 submissions from 2 submitters: Pathogenic (2). Last evaluated 2019-02-04.

Conditions:
Kabuki syndrome. Also called: Kabuki make-up syndrome; NIIKAWA-KUROKI SYNDROME. Identifiers: Orphanet 2322, MedGen C0796004, MONDO:0016512.
Kabuki syndrome 1 (KABUK1). Also called: KMT2D-Related Kabuki Syndrome. Identifiers: Orphanet 2322, MedGen CN030661, MONDO:0007843, OMIM 147920.

Submissions (2):

Labcorp Genetics (formerly Invitae), Labcorp
Classification: Pathogenic for Kabuki syndrome. Last evaluated: 2019-02-04. Review status: criteria provided, single submitter. Criteria: Invitae Variant Classification Sherloc (09022015). Collection method: clinical testing. Allele origin: germline.
Comment: For these reasons, this variant has been classified as Pathogenic. Loss-of-function variants in KMT2D are known to be pathogenic (PMID: 22126750). This variant has not been reported in the literature in individuals with KMT2D-related conditions. ClinVar contains an entry for this variant (Variation ID: 158717). This variant is not present in population databases (ExAC no frequency). This sequence change creates a premature translational stop signal (p.Gln3796Argfs*34) in the KMT2D gene. It is expected to result in an absent or disrupted protein product.

Genetic Services Laboratory, University of Chicago
Classification: Pathogenic for Kabuki syndrome 1. Last evaluated: 2013-09-30. Review status: criteria provided, single submitter. Criteria: ACMG Guidelines, 2007. Collection method: clinical testing. Allele origin: germline. Inheritance: Autosomal dominant inheritance. Affected: yes.

Literature cited by the submitters: PubMed 22126750 (cited by Labcorp Genetics (formerly Invitae), Labcorp).